The following is an entry in ClinVar:

NM_004360.5(CDH1):c.2360T>C (p.Val787Ala)

Gene: CDH1 (cadherin 1; plus strand). Cytogenetic location: 16q22.1.
Variant type: single nucleotide variant.
Coding change: c.2360T>C on transcript NM_004360.5 (MANE Select); coding-DNA position 2360, T replaced by C.
Protein change: p.Val787Ala; replaces valine 787 with alanine.
Molecular consequence: missense variant.
Genome position (GRCh38, 1-based): chr16:68,829,718, T>C. VCF-style: chr16-68829718-T-C. GRCh37 (hg19) VCF-style: chr16-68863621-T-C.
Other names: c.2177T>C, p.Val726Ala (NM_001317184.2); c.812T>C, p.Val271Ala (NM_001317185.2); c.395T>C, p.Val132Ala (NM_001317186.2); short protein forms V726A, V787A, V271A, V132A.
Identifiers: ClinVar variation 1790157 (VCV001790157.2), dbSNP rs2152142330, ClinGen allele CA396471052.

ClinVar aggregate classification (germline): Uncertain significance (1 of 4 stars; one submission).

Conditions:
Hereditary cancer-predisposing syndrome. Also called: Hereditary Cancer Syndrome; Hereditary neoplastic syndrome; Tumor predisposition; Neoplastic Syndromes, Hereditary. Identifiers: Orphanet 140162, MedGen C0027672, MeSH D009386, MONDO:0015356.

Submission:

Ambry Genetics
Classification: Uncertain significance for Hereditary cancer-predisposing syndrome. Last evaluated: 2022-02-23. Review status: criteria provided, single submitter. Criteria: Ambry Variant Classification Scheme 2023. Collection method: clinical testing. Allele origin: germline.
Comment: The p.V787A variant (also known as c.2360T>C), located in coding exon 15 of the CDH1 gene, results from a T to C substitution at nucleotide position 2360. The valine at codon 787 is replaced by alanine, an amino acid with similar properties. This amino acid position is conserved. In addition, the in silico prediction for this alteration is inconclusive. Since supporting evidence is limited at this time, the clinical significance of this alteration remains unclear.